The following is an entry in ClinVar:

NM_003579.4(RAD54L):c.313G>A (p.Val105Ile)

Gene: RAD54L (RAD54 like; plus strand). Cytogenetic location: 1p34.1.
Variant type: single nucleotide variant.
Coding change: c.313G>A on transcript NM_003579.4 (MANE Select); coding-DNA position 313, G replaced by A.
Protein change: p.Val105Ile; replaces valine 105 with isoleucine.
Molecular consequence: missense variant. On other transcripts: 5 prime UTR variant (1).
Genome position (GRCh38, 1-based): chr1:46,260,005, G>A. VCF-style: chr1-46260005-G-A. GRCh37 (hg19) VCF-style: chr1-46725677-G-A.
Other names: c.313G>A, p.Val105Ile (NM_001142548.2); c.-228G>A (NM_001370766.1); short protein forms V105I.
Identifiers: ClinVar variation 1728068 (VCV001728068.2), dbSNP rs2148286969, ClinGen allele CA340181959.

ClinVar aggregate classification (germline): Uncertain significance (1 of 4 stars; one submission).

Allele frequency attached by ClinVar (database versions not stated): gnomAD exomes below 0.00001.
gnomAD v4.1: 2 of 1,614,134 alleles (0.00012%); highest among the groups gnomAD compares: Non-Finnish European, 0.00017%; no homozygotes.

Submission:

Ambry Genetics
Classification: Uncertain significance. Last evaluated: 2022-03-29. Review status: criteria provided, single submitter. Criteria: Ambry Variant Classification Scheme 2023. Collection method: clinical testing. Allele origin: germline.
Comment: The p.V105I variant (also known as c.313G>A), located in coding exon 5 of the RAD54L gene, results from a G to A substitution at nucleotide position 313. The valine at codon 105 is replaced by isoleucine, an amino acid with highly similar properties. This amino acid position is conserved. In addition, this alteration is predicted to be tolerated by in silico analysis. Since supporting evidence is limited at this time, the clinical significance of this alteration remains unclear.